The following is an entry in ClinVar:

NM_002637.4(PHKA1):c.713del (p.Cys238fs)

Gene: PHKA1 (phosphorylase kinase regulatory subunit alpha 1; minus strand). Cytogenetic location: Xq13.1.
Variant type: Deletion.
Coding change: c.713del on transcript NM_002637.4 (MANE Select); coding-DNA position 713, one base deleted (G; older notation c.713delG).
Protein change: p.Cys238fs; shifts the reading frame from cysteine 238.
Molecular consequence: frameshift variant.
Genome position (GRCh38, 1-based): chrX:72,667,379, C deleted on the plus strand (G on the coding strand, the reverse complement: PHKA1 is on the minus strand). VCF-style (leftmost placement, unchanged base first): chrX-72667378-GC-G. GRCh37 (hg19) VCF-style: chrX-71887228-GC-G.
Other names: c.713del, p.Cys238fs (NM_001122670.2, NM_001172436.2, NM_001431068.1); short protein forms C238fs.
Identifiers: ClinVar variation 3653269 (VCV003653269.2).

ClinVar aggregate classification (germline): Pathogenic (1 of 4 stars; one submission).

Conditions:
Glycogen storage disease IXd (GSD9D). Also called: Muscle Phosphorylase Kinase Deficiency; GSD IXd. Identifiers: Orphanet 715, MedGen C1845151, MONDO:0010362, OMIM 300559.

Submission:

Labcorp Genetics (formerly Invitae), Labcorp
Classification: Pathogenic for Glycogen storage disease IXd. Last evaluated: 2024-05-13. Review status: criteria provided, single submitter. Criteria: Invitae Variant Classification Sherloc (09022015). Collection method: clinical testing. Allele origin: germline.
Comment: This sequence change creates a premature translational stop signal (p.Cys238Serfs*5) in the PHKA1 gene. It is expected to result in an absent or disrupted protein product. Loss-of-function variants in PHKA1 are known to be pathogenic (PMID: 9731190, 15637709). This variant is not present in population databases (gnomAD no frequency). This variant has not been reported in the literature in individuals affected with PHKA1-related conditions. For these reasons, this variant has been classified as Pathogenic.

Literature cited by the submitters: PubMed 9731190; PubMed 15637709.